The following is an entry in ClinVar:

ClinVar aggregate classification (germline): Uncertain significance (1 of 4 stars; one submission).

Submission:

Labcorp Genetics (formerly Invitae), Labcorp
Classification: Uncertain significance. Last evaluated: 2024-11-18. Review status: criteria provided, single submitter. Criteria: Invitae Variant Classification Sherloc (09022015). Collection method: clinical testing. Allele origin: germline.
Comment: This sequence change creates a premature translational stop signal (p.Lys338Asnfs*61) in the SAMD9 gene. While this is not anticipated to result in nonsense mediated decay, it is expected to disrupt the last 1252 amino acid(s) of the SAMD9 protein. This variant is not present in population databases (gnomAD no frequency). This variant has not been reported in the literature in individuals affected with SAMD9-related conditions. Experimental studies and prediction algorithms are not available or were not evaluated, and the functional significance of this variant is currently unknown. In summary, the available evidence is currently insufficient to determine the role of this variant in disease. Therefore, it has been classified as a Variant of Uncertain Significance.

NM_017654.4(SAMD9):c.1014del (p.Lys338fs)

Gene: SAMD9 (sterile alpha motif domain containing 9; minus strand). Cytogenetic location: 7q21.2.
Variant type: Deletion.
Coding change: c.1014del on transcript NM_017654.4 (MANE Select); coding-DNA position 1014, one base deleted (A; older notation c.1014delA).
Protein change: p.Lys338fs; shifts the reading frame from lysine 338.
Molecular consequence: frameshift variant.
Genome position (GRCh38, 1-based): chr7:93,105,084, T deleted on the plus strand (A on the coding strand, the reverse complement: SAMD9 is on the minus strand); the first of 6 consecutive T bases (chr7:93,105,084-93,105,089); deleting any one gives the same sequence. VCF-style (leftmost placement, unchanged base first): chr7-93105083-AT-A. GRCh37 (hg19) VCF-style: chr7-92734396-AT-A.
Other names: c.1014del, p.Lys338fs (NM_001193307.2); short protein forms K338fs.
Identifiers: ClinVar variation 3629202 (VCV003629202.2).
Genomic context (GRCh38, chr7:93,105,083, plus strand): 5'-AATCAACTTTATTTTTCGTAATGTCCTTAGAGCTGGTCCCATCTCGCACAAATAGTGAGA[AT>A]TTTTTACTTTGTTCCCATATTTTGTTGTTGTAATTTTGCATTTTAATCTGGAAATAATCA-3'